The following is an entry in ClinVar:

NM_022124.6(CDH23):c.5728G>C (p.Val1910Leu)

Gene: CDH23 (cadherin related 23; plus strand). Cytogenetic location: 10q22.1.
Variant type: single nucleotide variant.
Coding change: c.5728G>C on transcript NM_022124.6 (MANE Select); coding-DNA position 5728, G replaced by C.
Protein change: p.Val1910Leu; replaces valine 1910 with leucine.
Molecular consequence: missense variant.
Genome position (GRCh38, 1-based): chr10:71,785,646, G>C. VCF-style: chr10-71785646-G-C. GRCh37 (hg19) VCF-style: chr10-73545403-G-C.
Other names: short protein forms V1910L.
Identifiers: ClinVar variation 2574188 (VCV002574188.1), dbSNP rs2494361842, ClinGen allele CA377147590.

ClinVar aggregate classification (germline): Uncertain significance (1 of 4 stars; one submission).

gnomAD v4.1: 1 of 1,601,036 alleles (0.000062%); highest among the groups gnomAD compares: Non-Finnish European, 0.000085%; no homozygotes.

Submission:

GeneDx
Classification: Uncertain significance. Last evaluated: 2023-01-31. Review status: criteria provided, single submitter. Criteria: GeneDx Variant Classification Process June 2021. Collection method: clinical testing. Allele origin: germline. Affected: yes.
Comment: Not observed at significant frequency in large population cohorts (gnomAD); In silico analysis supports that this missense variant has a deleterious effect on protein structure/function; Has not been previously published as pathogenic or benign to our knowledge